The following is an entry in ClinVar:

ClinVar aggregate classification (germline): Uncertain significance. Review status: criteria provided, multiple submitters, no conflicts (2 of 4 stars). 3 submissions from 3 submitters: Uncertain significance (3). Last evaluated 2025-10-26.

Conditions:
Familial ovarian cancer. Identifiers: MedGen C5679802, MONDO:0016248.
Fanconi anemia complementation group J. Also called: BRIP1-Related Fanconi Anemia. Identifiers: Orphanet 84, MedGen C1836860, MONDO:0012187, OMIM 609054.
Familial cancer of breast. Also called: BREAST CANCER, FAMILIAL; hereditary breast carcinoma; Hereditary breast cancer. Identifiers: Orphanet 227535, MedGen C0346153, MONDO:0016419, OMIM 114480. Disease mechanism: loss of function.
Hereditary cancer-predisposing syndrome. Also called: Neoplastic Syndromes, Hereditary; Hereditary neoplastic syndrome; Tumor predisposition; Hereditary Cancer Syndrome. Identifiers: Orphanet 140162, MedGen C0027672, MeSH D009386, MONDO:0015356.

Submissions (3):

Labcorp Genetics (formerly Invitae), Labcorp
Classification: Uncertain significance for Familial cancer of breast; Fanconi anemia complementation group J. Last evaluated: 2025-10-26. Review status: criteria provided, single submitter. Criteria: Invitae Variant Classification Sherloc (09022015). Collection method: clinical testing. Allele origin: germline.
Comment: This sequence change replaces glutamic acid, which is acidic and polar, with lysine, which is basic and polar, at codon 1151 of the BRIP1 protein (p.Glu1151Lys). This variant is not present in population databases (gnomAD no frequency). This variant has not been reported in the literature in individuals affected with BRIP1-related conditions. ClinVar contains an entry for this variant (Variation ID: 530315). Invitae Evidence Modeling of protein sequence and biophysical properties (such as structural, functional, and spatial information, amino acid conservation, physicochemical variation, residue mobility, and thermodynamic stability) indicates that this missense variant is not expected to disrupt BRIP1 protein function with a negative predictive value of 95%. In summary, the available evidence is currently insufficient to determine the role of this variant in disease. Therefore, it has been classified as a Variant of Uncertain Significance.

Ambry Genetics
Classification: Uncertain significance for Hereditary cancer-predisposing syndrome. Last evaluated: 2025-05-23. Review status: criteria provided, single submitter. Criteria: Ambry Variant Classification Scheme 2023. Collection method: clinical testing. Allele origin: germline.
Comment: The p.E1151K variant (also known as c.3451G>A), located in coding exon 19 of the BRIP1 gene, results from a G to A substitution at nucleotide position 3451. The glutamic acid at codon 1151 is replaced by lysine, an amino acid with similar properties. This amino acid position is not well conserved in available vertebrate species. In addition, this alteration is predicted to be tolerated by in silico analysis. Since supporting evidence is limited at this time, the clinical significance of this alteration remains unclear.

Department of Pathology and Laboratory Medicine, Sinai Health System
Classification: Uncertain significance for familial ovarian cancer. Last evaluated: 2020-12-15. Review status: criteria provided, single submitter. Criteria: ACMG Guidelines, 2015. Collection method: clinical testing. Allele origin: germline. Affected: no.

NM_032043.3(BRIP1):c.3451G>A (p.Glu1151Lys)

Gene: BRIP1 (BRCA1 interacting DNA helicase 1; minus strand). Cytogenetic location: 17q23.2.
Variant type: single nucleotide variant.
Coding change: c.3451G>A on transcript NM_032043.3 (MANE Select); coding-DNA position 3451, G replaced by A.
Protein change: p.Glu1151Lys; replaces glutamic acid 1151 with lysine.
Molecular consequence: missense variant.
Genome position (GRCh38, 1-based): chr17:61,683,595, C>T on the plus strand (G>A on the coding strand, the complement: BRIP1 is on the minus strand). VCF-style: chr17-61683595-C-T. GRCh37 (hg19) VCF-style: chr17-59760956-C-T.
Other names: short protein forms E1151K.
Identifiers: ClinVar variation 530315 (VCV000530315.17), dbSNP rs1555572587, ClinGen allele CA400478700.